The following is an entry in ClinVar:

NM_001844.5(COL2A1):c.2114G>A (p.Gly705Asp)

Gene: COL2A1 (collagen type II alpha 1 chain; minus strand). Cytogenetic location: 12q13.11.
Variant type: single nucleotide variant.
Coding change: c.2114G>A on transcript NM_001844.5 (MANE Select); coding-DNA position 2114, G replaced by A.
Protein change: p.Gly705Asp; replaces glycine 705 with aspartic acid.
Molecular consequence: missense variant.
Genome position (GRCh38, 1-based): chr12:47,982,927, C>T on the plus strand (G>A on the coding strand, the complement: COL2A1 is on the minus strand). VCF-style: chr12-47982927-C-T. GRCh37 (hg19) VCF-style: chr12-48376710-C-T.
Other names: c.1907G>A, p.Gly636Asp (NM_033150.3); c.2114G>A (NM_001844.4); short protein forms G636D, G705D.
Identifiers: ClinVar variation 1338757 (VCV001338757.3), dbSNP rs2136551606, ClinGen allele CA384547176.

ClinVar aggregate classification (germline): Likely pathogenic. Review status: no assertion criteria provided (0 of 4 stars). 2 submissions from 2 submitters: Likely pathogenic (2). Last evaluated 2024-06-19.

Conditions:
COL2A1-related disorder. Also called: COL2A1-related condition; COL2A1-related disorders.
Achondrogenesis type II (ACG2). Also called: ACHONDROGENESIS, LANGER-SALDINO TYPE; CHONDROGENESIS IMPERFECTA. Identifiers: Orphanet 932, Orphanet 93296, MedGen C0220685, MONDO:0008702, OMIM 200610.

Submissions (2):

PreventionGenetics, part of Exact Sciences
Classification: Likely pathogenic for COL2A1-related condition. Last evaluated: 2024-06-19. Review status: no assertion criteria provided. Collection method: clinical testing. Allele origin: germline.
Comment: The COL2A1 c.2114G>A variant is predicted to result in the amino acid substitution p.Gly705Asp. A different variant affecting the same amino acid (p.Gly705Ser) was reported in the heterozygous condition in one individual with mild spondyloepiphyseal dysplasia (Takagi et al. 2016. PubMed ID: 26586363). The p.Gly705Asp variant affects a Gly residue of the conserved triple helical domain, where substitutions of the glycine are usually pathogenic (Barat-Houari et al. 2016. PubMed ID: 26626311). This variant has not been reported in a large population database, indicating this variant is rare. This variant is interpreted as likely pathogenic.

Institute of Medical Genetics and Genomics, Sir Ganga Ram Hospital
Classification: Likely pathogenic for Achondrogenesis type II. Last evaluated: 2022-01-30. Review status: no assertion criteria provided. Collection method: clinical testing. Allele origin: de novo. Inheritance: Autosomal dominant inheritance. Affected: yes. Observed: 1 heterozygote.
Comment: The novel heterozygous mis-sense variant c.2114G>A (p.G705D) has not been observed in gnomAD and 1000g. In-silico bioinformatic software predict this variant by mutation taster as Disease causing and SIFT & PROVEAN as Damaging. Achondrogenesis type II is an autosomal dominant disorder and based on the phenotypic observation we classify this variant as likely pathogenic.